The following is an entry in ClinVar:

NM_144508.5(KNL1):c.1233G>C (p.Met411Ile)

Gene: KNL1 (kinetochore scaffold 1; plus strand). Cytogenetic location: 15q15.1.
Variant type: single nucleotide variant.
Coding change: c.1233G>C on transcript NM_144508.5 (MANE Select); coding-DNA position 1233, G replaced by C.
Protein change: p.Met411Ile; replaces methionine 411 with isoleucine.
Molecular consequence: missense variant.
Genome position (GRCh38, 1-based): chr15:40,621,497, G>C. VCF-style: chr15-40621497-G-C. GRCh37 (hg19) VCF-style: chr15-40913695-G-C.
Other names: c.1311G>C, p.Met437Ile (NM_170589.5); short protein forms M411I, M437I.
Identifiers: ClinVar variation 315845 (VCV000315845.15), dbSNP rs116093409, ClinGen allele CA7482633.
Genomic context (GRCh38, chr15:40,621,497, plus strand): 5'-GGGGGCAGAAACTCACATAGTCTCACAGACTTGTAATCAGGATGCCAGAATATTAGCCAT[G>C]ACCCCAGAATCTATATATTCTAATCCATCTATTCAAGGTTGTAAGACTGTTTTCTATTCT-3'
Protein context (NP_653091.3, residues 401-421): TCNQDARILA[Met411Ile]TPESIYSNPS

ClinVar aggregate classification (germline): Likely benign. Review status: criteria provided, multiple submitters, no conflicts (2 of 4 stars). 3 submissions from 3 submitters: Likely benign (2). 1 of the submissions does not count toward it. Last evaluated 2019-12-31.

Conditions:
KNL1-related disorder. Also called: KNL1-related condition.

Allele frequency attached by ClinVar (database versions not stated): gnomAD exomes 0.00044; ExAC 0.00053; 1000 Genomes Project 0.00080; 1000 Genomes Project 30x 0.00141; TOPMed 0.00226; gnomAD 0.00228 and 0.00245; ESP Exome Variant Server 0.00246.
gnomAD v4.1: 635 of 1,613,902 alleles (0.039%); highest among the groups gnomAD compares: African/African-American, 0.8%; 3 homozygotes.

Submissions (3):

Labcorp Genetics (formerly Invitae), Labcorp
Classification: Likely benign. Last evaluated: 2019-12-31. Review status: criteria provided, single submitter. Criteria: Invitae Variant Classification Sherloc (09022015). Collection method: clinical testing. Allele origin: germline.

Genetic Services Laboratory, University of Chicago
Classification: Likely benign. Last evaluated: 2015-09-23. Review status: criteria provided, single submitter. Criteria: ACMG Guidelines, 2015. Collection method: clinical testing. Allele origin: germline. Affected: no.

PreventionGenetics, part of Exact Sciences
Classification: Likely benign for KNL1-related condition. Last evaluated: 2024-07-22. Review status: no assertion criteria provided. Collection method: clinical testing. Allele origin: germline. Not counted in ClinVar's aggregate classification.
Comment: This variant is classified as likely benign based on ACMG/AMP sequence variant interpretation guidelines (Richards et al. 2015 PMID: 25741868, with internal and published modifications).